The following is an entry in ClinVar:

NM_182914.3(SYNE2):c.4726G>A (p.Glu1576Lys)

Gene: SYNE2 (spectrin repeat containing nuclear envelope protein 2; plus strand). Cytogenetic location: 14q23.2.
Variant type: single nucleotide variant.
Coding change: c.4726G>A on transcript NM_182914.3 (MANE Select); coding-DNA position 4726, G replaced by A.
Protein change: p.Glu1576Lys; replaces glutamic acid 1576 with lysine.
Molecular consequence: missense variant.
Genome position (GRCh38, 1-based): chr14:64,010,114, G>A. VCF-style: chr14-64010114-G-A. GRCh37 (hg19) VCF-style: chr14-64476832-G-A.
Other names: c.4726G>A, p.Glu1576Lys (NM_015180.6); short protein forms E1576K.
Identifiers: ClinVar variation 2128196 (VCV002128196.4), dbSNP rs1594837509, ClinGen allele CA389936472.

ClinVar aggregate classification (germline): Uncertain significance (1 of 4 stars; one submission).

Conditions:
Emery-Dreifuss muscular dystrophy 5, autosomal dominant (EDMD5). Also called: EMERY-DREIFUSS MUSCULAR DYSTROPHY 5. Identifiers: Orphanet 261, MedGen C2751805, MONDO:0013072, OMIM 612999.

gnomAD v4.1: 1 of 1,611,364 alleles (0.000062%); highest among the groups gnomAD compares: Non-Finnish European, 0.000085%; no homozygotes.

Submission:

Labcorp Genetics (formerly Invitae), Labcorp
Classification: Uncertain significance for Emery-Dreifuss muscular dystrophy 5, autosomal dominant. Last evaluated: 2022-04-19. Review status: criteria provided, single submitter. Criteria: Invitae Variant Classification Sherloc (09022015). Collection method: clinical testing. Allele origin: germline.
Comment: In summary, the available evidence is currently insufficient to determine the role of this variant in disease. Therefore, it has been classified as a Variant of Uncertain Significance. Algorithms developed to predict the effect of missense changes on protein structure and function output the following: SIFT: "Tolerated"; PolyPhen-2: "Possibly Damaging"; Align-GVGD: "Class C0". The lysine amino acid residue is found in multiple mammalian species, which suggests that this missense change does not adversely affect protein function. This variant has not been reported in the literature in individuals affected with SYNE2-related conditions. This variant is not present in population databases (gnomAD no frequency). This sequence change replaces glutamic acid, which is acidic and polar, with lysine, which is basic and polar, at codon 1576 of the SYNE2 protein (p.Glu1576Lys).